The following is an entry in ClinVar:

ClinVar aggregate classification (germline): Uncertain significance. Review status: criteria provided, multiple submitters, no conflicts (2 of 4 stars). 2 submissions from 2 submitters: Uncertain significance (2). Last evaluated 2025-11-06.

Conditions:
Inborn genetic diseases. Identifiers: MedGen C0950123, MeSH D030342.

Allele frequency attached by ClinVar (database versions not stated): gnomAD exomes below 0.00001.
gnomAD v4.1: 5 of 1,614,052 alleles (0.00031%); highest among the groups gnomAD compares: African/African-American, 0.0013%; no homozygotes.

Submissions (2):

Ambry Genetics
Classification: Uncertain significance for Inborn genetic diseases. Last evaluated: 2025-11-06. Review status: criteria provided, single submitter. Criteria: Ambry Variant Classification Scheme 2023. Collection method: clinical testing. Allele origin: germline.

Labcorp Genetics (formerly Invitae), Labcorp
Classification: Uncertain significance. Last evaluated: 2024-03-15. Review status: criteria provided, single submitter. Criteria: Invitae Variant Classification Sherloc (09022015). Collection method: clinical testing. Allele origin: germline.
Comment: This sequence change replaces cysteine, which is neutral and slightly polar, with serine, which is neutral and polar, at codon 413 of the ATR protein (p.Cys413Ser). This variant is not present in population databases (gnomAD no frequency). This variant has not been reported in the literature in individuals affected with ATR-related conditions. ClinVar contains an entry for this variant (Variation ID: 1348891). Algorithms developed to predict the effect of missense changes on protein structure and function output the following: SIFT: "Not Available"; PolyPhen-2: "Benign"; Align-GVGD: "Not Available". The serine amino acid residue is found in multiple mammalian species, which suggests that this missense change does not adversely affect protein function. In summary, the available evidence is currently insufficient to determine the role of this variant in disease. Therefore, it has been classified as a Variant of Uncertain Significance.

NM_001184.4(ATR):c.1238G>C (p.Cys413Ser)

Gene: ATR (ATR checkpoint kinase; minus strand). Cytogenetic location: 3q23.
Variant type: single nucleotide variant.
Coding change: c.1238G>C on transcript NM_001184.4 (MANE Select); coding-DNA position 1238, G replaced by C.
Protein change: p.Cys413Ser; replaces cysteine 413 with serine.
Molecular consequence: missense variant.
Genome position (GRCh38, 1-based): chr3:142,561,354, C>G on the plus strand (G>C on the coding strand, the complement: ATR is on the minus strand). VCF-style: chr3-142561354-C-G. GRCh37 (hg19) VCF-style: chr3-142280196-C-G.
Other names: c.1238G>C (NM_001184.3); c.1238G>C, p.Cys413Ser (NM_001354579.2); short protein forms C413S.
Identifiers: ClinVar variation 1348891 (VCV001348891.7), dbSNP rs2108485303, ClinGen allele CA354823350.